The following is an entry in ClinVar:

NM_020751.3(COG6):c.1515A>G (p.Leu505=)

Gene: COG6 (component of oligomeric golgi complex 6; plus strand). Cytogenetic location: 13q14.11.
Variant type: single nucleotide variant.
Coding change: c.1515A>G on transcript NM_020751.3 (MANE Select); coding-DNA position 1515, A replaced by G.
Protein change: p.Leu505=; no amino-acid change (leucine 505 retained).
Molecular consequence: synonymous variant. On other transcripts: non-coding transcript variant (1).
Genome position (GRCh38, 1-based): chr13:39,719,758, A>G. VCF-style: chr13-39719758-A-G. GRCh37 (hg19) VCF-style: chr13-40293895-A-G.
Other names: c.1515A>G, p.Leu505= (NM_001145079.2).
Identifiers: ClinVar variation 2643776 (VCV002643776.24), dbSNP rs1278120385, ClinGen allele CA483570464.

ClinVar aggregate classification (germline): Likely benign (1 of 4 stars; one submission).

Allele frequency attached by ClinVar (database versions not stated): gnomAD exomes below 0.00001; gnomAD 0.00001; TOPMed 0.00002.
gnomAD v4.1: 5 of 1,612,248 alleles (0.00031%); highest among the groups gnomAD compares: Middle Eastern, 0.016%; no homozygotes.

Submission:

CeGaT Center for Human Genetics Tuebingen
Classification: Likely benign. Last evaluated: 2023-05-01. Review status: criteria provided, single submitter. Criteria: CeGaT Center For Human Genetics Tuebingen Variant Classification Criteria Version 2. Collection method: clinical testing. Allele origin: germline. Affected: yes. Observed: 1 variant allele.
Comment: COG6: BP4, BP7